The following is an entry in ClinVar:

NM_003072.5(SMARCA4):c.3809_3825dup (p.Pro1276fs)

Gene: SMARCA4 (SWI/SNF related BAF chromatin remodeling complex subunit ATPase 4; plus strand). Cytogenetic location: 19p13.2.
Variant type: Duplication.
Coding change: c.3809_3825dup on transcript NM_003072.5 (MANE Select); coding-DNA positions 3809 to 3825, 17 bases duplicated (GCTTCGCCCACACTGCC).
Protein change: p.Pro1276fs; shifts the reading frame from proline 1276.
Molecular consequence: frameshift variant. On other transcripts: intron variant (5).
Genome position (GRCh38, 1-based): chr19:11,033,801-11,033,817, GCTTCGCCCACACTGCC duplicated. VCF-style (leftmost placement, unchanged base first): chr19-11033800-A-AGCTTCGCCCACACTGCC. GRCh37 (hg19) VCF-style: chr19-11144476-A-AGCTTCGCCCACACTGCC.
Other names: c.3809_3825dup, p.Pro1276fs (NM_001128844.3, NM_001128849.3); c.3774+284_3774+300dup (NM_001128847.4, NM_001374457.1, NM_001128845.2 and 2 more transcripts); short protein forms P1276fs.
Identifiers: ClinVar variation 854412 (VCV000854412.7), dbSNP rs2075088671, ClinGen allele CA916083670.

ClinVar aggregate classification (germline): Pathogenic (1 of 4 stars; one submission).

Conditions:
Rhabdoid tumor predisposition syndrome 2 (RTPS2). Identifiers: Orphanet 231108, Orphanet 69077, MedGen C2750074, MONDO:0013224, OMIM 613325.

Submission:

Labcorp Genetics (formerly Invitae), Labcorp
Classification: Pathogenic for Rhabdoid tumor predisposition syndrome 2. Last evaluated: 2019-02-02. Review status: criteria provided, single submitter. Criteria: Invitae Variant Classification Sherloc (09022015). Collection method: clinical testing. Allele origin: germline.
Comment: For these reasons, this variant has been classified as Pathogenic. Loss-of-function variants in SMARCA4 are known to be pathogenic (PMID: 24658001, 24658002). This variant has not been reported in the literature in individuals with SMARCA4-related conditions. This variant is not present in population databases (ExAC no frequency). This sequence change creates a premature translational stop signal (p.Pro1276Alafs*21) in the SMARCA4 gene. It is expected to result in an absent or disrupted protein product.

Literature cited by the submitters: PubMed 24658001; PubMed 24658002.